The following is an entry in ClinVar:

ClinVar aggregate classification (germline): Likely benign. Review status: reviewed by expert panel (3 of 4 stars). 15 submissions from 15 submitters: Likely benign (1). 14 of the submissions do not count toward it. Last evaluated 2017-06-29.

Conditions:
BRCA1-related disorder. Also called: BRCA1-related condition.
BRCA1-related cancer predisposition. Identifiers: MedGen CN377757, MONDO:0700268.
Hereditary cancer-predisposing syndrome. Also called: Tumor predisposition; Hereditary neoplastic syndrome; Hereditary Cancer Syndrome; Neoplastic Syndromes, Hereditary. Identifiers: Orphanet 140162, MedGen C0027672, MeSH D009386, MONDO:0015356.
Hereditary breast ovarian cancer syndrome. Also called: Hereditary breast and/or ovarian cancer syndrome; Breast and ovarian cancer; Hereditary breast and ovarian cancer syndrome; Hereditary breast and ovarian cancer; Hereditary breast and ovarian cancer syndrome (HBOC); BRCA1- and BRCA2-Associated Hereditary Breast and Ovarian Cancer. Identifiers: Orphanet 145, MedGen C0677776, MeSH D061325, MONDO:0003582. Disease mechanism: loss of function.
Breast-ovarian cancer, familial, susceptibility to, 1 (BROVCA1). Also called: BRCA1 Hereditary Breast and Ovarian Cancer; OVARIAN CANCER, SUSCEPTIBILITY TO. Identifiers: Orphanet 145, MedGen C2676676, MONDO:0011450, OMIM 604370. Disease mechanism: loss of function.

Allele frequency attached by ClinVar (database versions not stated): ExAC 0.00001; gnomAD 0.00001; gnomAD exomes 0.00001 and 0.00003; TOPMed 0.00001.
gnomAD v4.1: 19 of 1,613,722 alleles (0.0012%); highest among the groups gnomAD compares: East Asian, 0.013%; no homozygotes.

Submissions (15):

Evidence-based Network for the Interpretation of Germline Mutant Alleles (ENIGMA)
Classification: Likely benign for Breast-ovarian cancer, familial, susceptibility to, 1. Last evaluated: 2017-06-29. Review status: reviewed by expert panel. Criteria: ENIGMA BRCA1/2 Classification Criteria (2017-06-29). Collection method: curation. Allele origin: germline.
Comment: Synonymous substitution variant, with low bioinformatic likelihood to result in a splicing aberration (Splicing prior probability 0.02).

Labcorp Genetics (formerly Invitae), Labcorp
Classification: Likely benign for Hereditary breast ovarian cancer syndrome. Last evaluated: 2026-01-04. Review status: criteria provided, single submitter. Criteria: Invitae Variant Classification Sherloc (09022015). Collection method: clinical testing. Allele origin: germline. Not counted in ClinVar's aggregate classification.

Quest Diagnostics Nichols Institute San Juan Capistrano
Classification: Likely benign. Last evaluated: 2025-08-31. Review status: criteria provided, single submitter. Criteria: Quest Diagnostics criteria. Collection method: clinical testing. Allele origin: unknown. Not counted in ClinVar's aggregate classification.

Center for Genomic Medicine, Rigshospitalet, Copenhagen University Hospital
Classification: Likely benign. Last evaluated: 2025-03-04. Review status: criteria provided, single submitter. Criteria: ACMG Guidelines, 2015. Collection method: clinical testing. Allele origin: germline. Not counted in ClinVar's aggregate classification.

Women's Health and Genetics/Laboratory Corporation of America, LabCorp
Classification: Likely benign. Last evaluated: 2024-12-06. Review status: criteria provided, single submitter. Criteria: LabCorp Variant Classification Summary - May 2015. Collection method: clinical testing. Allele origin: germline. Not counted in ClinVar's aggregate classification.

All of Us Research Program, National Institutes of Health
Classification: Likely benign for BRCA1-related cancer predisposition. Last evaluated: 2024-09-23. Review status: criteria provided, single submitter. Criteria: ACMG Guidelines, 2015. Collection method: clinical testing. Allele origin: germline. Inheritance: Autosomal dominant inheritance. Observed: 4 variant alleles, 4 heterozygotes. Not counted in ClinVar's aggregate classification.
Comment: This study involves interpretation of variants in research participants for the purpose of population health screening. Participant phenotype was not available at the time of variant classification. Additional details can be found in publication PMID: 35346344, PMCID: PMC8962531

Blueprint Genetics
Classification: Likely benign. Last evaluated: 2024-09-13. Review status: criteria provided, single submitter. Criteria: ACMG Guidelines, 2015. Collection method: clinical testing. Allele origin: germline. Not counted in ClinVar's aggregate classification.

Illumina Laboratory Services, Illumina
Classification: Uncertain significance for Breast-ovarian cancer, familial, susceptibility to, 1. Last evaluated: 2017-04-27. Review status: criteria provided, single submitter. Criteria: ICSL Variant Classification Criteria 13 December 2019. Collection method: clinical testing. Allele origin: germline. Not counted in ClinVar's aggregate classification.

Color Diagnostics, LLC DBA Color Health
Classification: Likely benign for Hereditary cancer-predisposing syndrome. Last evaluated: 2015-09-03. Review status: criteria provided, single submitter. Criteria: ACMG Guidelines, 2015. Collection method: clinical testing. Allele origin: germline. Not counted in ClinVar's aggregate classification.

Ambry Genetics
Classification: Benign for Hereditary cancer-predisposing syndrome. Last evaluated: 2014-11-18. Review status: criteria provided, single submitter. Criteria: Ambry Variant Classification Scheme 2023. Collection method: clinical testing. Allele origin: germline. Not counted in ClinVar's aggregate classification.

GeneDx
Classification: Benign. Last evaluated: 2014-07-02. Review status: criteria provided, single submitter. Criteria: GeneDx Variant Classification (06012015). Collection method: clinical testing. Allele origin: germline. Affected: yes. Not counted in ClinVar's aggregate classification.
Comment: This variant is considered likely benign or benign based on one or more of the following criteria: it is a conservative change, it occurs at a poorly conserved position in the protein, it is predicted to be benign by multiple in silico algorithms, and/or has population frequency not consistent with disease.

PreventionGenetics, part of Exact Sciences
Classification: Likely benign for BRCA1-related condition. Last evaluated: 2022-04-11. Review status: no assertion criteria provided. Collection method: clinical testing. Allele origin: germline. Not counted in ClinVar's aggregate classification.
Comment: This variant is classified as likely benign based on ACMG/AMP sequence variant interpretation guidelines (Richards et al. 2015 PMID: 25741868, with internal and published modifications).

Counsyl
Classification: Likely benign for Breast-ovarian cancer, familial, susceptibility to, 1. Last evaluated: 2016-09-06. Review status: no assertion criteria provided. Collection method: clinical testing. Allele origin: unknown. Not counted in ClinVar's aggregate classification.

Clinical Genetics Laboratory, Department of Pathology, Netherlands Cancer Institute
Classification: Likely benign. Review status: no assertion criteria provided. Collection method: clinical testing. Allele origin: germline. Affected: yes. Study: VKGL Data-share Consensus. Not counted in ClinVar's aggregate classification.

Joint Genome Diagnostic Labs from Nijmegen and Maastricht, Radboudumc and MUMC+
Classification: Likely benign. Review status: no assertion criteria provided. Collection method: clinical testing. Allele origin: germline. Affected: yes. Study: VKGL Data-share Consensus. Not counted in ClinVar's aggregate classification.

Literature cited by the submitters: PubMed 17100994 (cited by 4 submitters); PubMed 19563646 (cited by 4 submitters); PubMed 16949048 (cited by 3 submitters); PubMed 17039264 (cited by Quest Diagnostics Nichols Institute San Juan Capistrano and Ambry Genetics); PubMed 30287823 (cited by Quest Diagnostics Nichols Institute San Juan Capistrano); PubMed 32467295 (cited by Quest Diagnostics Nichols Institute San Juan Capistrano).

NM_007294.4(BRCA1):c.2613G>A (p.Pro871=)

Gene: BRCA1 (BRCA1 DNA repair associated; minus strand). Cytogenetic location: 17q21.31.
Variant type: single nucleotide variant.
Coding change: c.2613G>A on transcript NM_007294.4 (MANE Select); coding-DNA position 2613, G replaced by A.
Protein change: p.Pro871=; no amino-acid change (proline 871 retained).
Molecular consequence: synonymous variant. On other transcripts: intron variant (137).
Genome position (GRCh38, 1-based): chr17:43,092,918, C>T on the plus strand (G>A on the coding strand, the complement: BRCA1 is on the minus strand). VCF-style: chr17-43092918-C-T. GRCh37 (hg19) VCF-style: chr17-41244935-C-T.
Other names: p.P871P:CCG>CCA; c.2472G>A, p.Pro824= (NM_001407736.1, NM_001407737.1, NM_001407738.1 and 29 more transcripts); c.2469G>A, p.Pro823= (NM_001407740.1, NM_001407741.1, NM_001407742.1 and 20 more transcripts); c.2400G>A, p.Pro800= (NM_001407853.1, NM_001407894.1, NM_001407895.1 and 9 more transcripts); c.2613G>A, p.Pro871= (NM_001407854.1, NM_001407858.1, NM_001407859.1 and 30 more transcripts); c.2610G>A, p.Pro870= (NM_001407860.1, NM_001407861.1, NM_001407587.1 and 22 more transcripts); c.2412G>A, p.Pro804= (NM_001407862.1); c.2490G>A, p.Pro830= (NM_001407863.1, NM_001407919.1, NM_001407937.1 and 19 more transcripts); and 42 more.
Identifiers: ClinVar variation 142642 (VCV000142642.41), dbSNP rs587782608, ClinGen allele CA001722.